The following is an entry in ClinVar:

ClinVar aggregate classification (germline): Uncertain significance. Review status: criteria provided, multiple submitters, no conflicts (2 of 4 stars). 3 submissions from 3 submitters: Uncertain significance (2). 1 of the submissions does not count toward it. Last evaluated 2024-03-11.

Conditions:
Glycine encephalopathy. Also called: Nonketotic hyperglycinemia; Non-ketotic hyperglycinemia. Identifiers: Orphanet 407, MedGen C0751748, MONDO:0011612, HP:0008288.

Submissions (3):

Labcorp Genetics (formerly Invitae), Labcorp
Classification: Uncertain significance for Glycine encephalopathy. Last evaluated: 2024-03-11. Review status: criteria provided, single submitter. Criteria: Invitae Variant Classification Sherloc (09022015). Collection method: clinical testing. Allele origin: germline.
Comment: This variant, c.970_972del, results in the deletion of 1 amino acid(s) of the AMT protein (p.Met324del), but otherwise preserves the integrity of the reading frame. This variant is not present in population databases (gnomAD no frequency). This variant has been observed in individual(s) with glycine encephalopathy (PMID: 16450403). ClinVar contains an entry for this variant (Variation ID: 56240). Experimental studies and prediction algorithms are not available or were not evaluated, and the functional significance of this variant is currently unknown. In summary, the available evidence is currently insufficient to determine the role of this variant in disease. Therefore, it has been classified as a Variant of Uncertain Significance.

3billion
Classification: Uncertain significance for Glycine encephalopathy 1. Last evaluated: 2022-05-22. Review status: criteria provided, single submitter. Criteria: ACMG Guidelines, 2015. Collection method: clinical testing. Allele origin: germline. Affected: yes. Observed: 1 heterozygote.
Comment: The variant is not observed in the gnomAD v2.1.1 dataset. Inframe deletion located in a nonrepeat region: predicted to change the length of the protein and disrupt normal protein function. The variant has been reported to be associated with AMT related disorder (ClinVar ID: VCV000056240). However, the evidence of pathogenicity is insufficient at this time. Therefore, this variant is classified as uncertain significanceaccording to the recommendation of ACMG/AMP guideline.

Juha Muilu Group; Institute for Molecular Medicine Finland (FIMM)
Classification: Likely pathogenic for Non-ketotic hyperglycinemia. Review status: no assertion criteria provided. Collection method: not provided. Allele origin: unknown. Not counted in ClinVar's aggregate classification.
Comment: FinDis database variant: This variant was not found or characterized by our laboratory, data were collected from public sources: see reference
ClinVar note: Converted during submission from probable-pathogenic to Likely pathogenic.

Literature cited by the submitters: PubMed 16450403 (cited by Labcorp Genetics (formerly Invitae), Labcorp).

NM_000481.4(AMT):c.970_972del (p.Met324del)

Gene: AMT (aminomethyltransferase; minus strand). Cytogenetic location: 3p21.31.
Variant type: Deletion.
Coding change: c.970_972del on transcript NM_000481.4 (MANE Select); coding-DNA positions 970 to 972, 3 bases deleted (ATG; older notation c.970_972delATG).
Protein change: p.Met324del; deletes methionine 324.
Molecular consequence: inframe deletion. On other transcripts: non-coding transcript variant (1).
Genome position (GRCh38, 1-based): chr3:49,417,879-49,417,881, CAT deleted on the plus strand (ATG on the coding strand, the reverse complement: AMT is on the minus strand); deleting any 3 consecutive bases within chr3:49,417,879-49,417,883 gives the same sequence; the c. name uses the placement nearest the transcript's 3' end. VCF-style (leftmost placement, unchanged base first): chr3-49417878-ACAT-A. GRCh37 (hg19) VCF-style: chr3-49455311-ACAT-A.
Other names: c.838_840del, p.Met280del (NM_001164710.2); c.802_804del, p.Met268del (NM_001164711.2); c.970_972del, p.Met324del (NM_001164712.2); c.970_972delATG (NM_000481.3); short protein forms M268del, M280del, M324del.
Identifiers: ClinVar variation 56240 (VCV000056240.7), dbSNP rs386833691, ClinGen allele CA263589.